The following is an entry in ClinVar:

ClinVar aggregate classification (germline): Uncertain significance. Review status: criteria provided, multiple submitters, no conflicts (2 of 4 stars). 3 submissions from 3 submitters: Uncertain significance (3). Last evaluated 2024-03-06.

Conditions:
Hereditary cancer-predisposing syndrome. Also called: Hereditary Cancer Syndrome; Tumor predisposition; Neoplastic Syndromes, Hereditary; Hereditary neoplastic syndrome. Identifiers: Orphanet 140162, MedGen C0027672, MeSH D009386, MONDO:0015356.
Ataxia-telangiectasia syndrome (AT). Also called: ATAXIA-TELANGIECTASIA, COMPLEMENTATION GROUP A; ATAXIA-TELANGIECTASIA, FRESNO VARIANT; Ataxia-telangiectasia; Ataxia-telangiectasia, complementation group E; Cerebello-oculocutaneous telangiectasia; Immunodeficiency with ataxia telangiectasia. Identifiers: Orphanet 100, MedGen C0004135, MONDO:0008840, OMIM 208900.

Submissions (3):

Color Diagnostics, LLC DBA Color Health
Classification: Uncertain significance for Hereditary cancer-predisposing syndrome. Last evaluated: 2024-03-06. Review status: criteria provided, single submitter. Criteria: ACMG Guidelines, 2015. Collection method: clinical testing. Allele origin: germline.
Comment: This missense variant replaces serine with phenylalanine at codon 2078 of the ATM protein. Computational prediction suggests that this variant may not impact protein structure and function (internally defined REVEL score threshold <= 0.5, PMID: 27666373). To our knowledge, functional studies have not been reported for this variant. This variant has not been reported in individuals affected with hereditary cancer in the literature. This variant has not been identified in the general population by the Genome Aggregation Database (gnomAD). The available evidence is insufficient to determine the role of this variant in disease conclusively. Therefore, this variant is classified as a Variant of Uncertain Significance.

Ambry Genetics
Classification: Uncertain significance for Hereditary cancer-predisposing syndrome. Last evaluated: 2024-02-26. Review status: criteria provided, single submitter. Criteria: Ambry Variant Classification Scheme 2023. Collection method: clinical testing. Allele origin: germline.
Comment: The p.S2078F variant (also known as c.6233C>T), located in coding exon 42 of the ATM gene, results from a C to T substitution at nucleotide position 6233. The serine at codon 2078 is replaced by phenylalanine, an amino acid with highly dissimilar properties. This amino acid position is conserved. In addition, this alteration is predicted to be tolerated by in silico analysis. Based on the available evidence, the clinical significance of this alteration remains unclear.

Labcorp Genetics (formerly Invitae), Labcorp
Classification: Uncertain significance for Ataxia-telangiectasia syndrome. Last evaluated: 2023-07-16. Review status: criteria provided, single submitter. Criteria: Invitae Variant Classification Sherloc (09022015). Collection method: clinical testing. Allele origin: germline.
Comment: An algorithm developed to predict the effect of missense changes on protein structure and function (PolyPhen-2) suggests that this variant is likely to be tolerated. ClinVar contains an entry for this variant (Variation ID: 188246). This variant has not been reported in the literature in individuals affected with ATM-related conditions. This variant is not present in population databases (gnomAD no frequency). In summary, the available evidence is currently insufficient to determine the role of this variant in disease. Therefore, it has been classified as a Variant of Uncertain Significance. This sequence change replaces serine, which is neutral and polar, with phenylalanine, which is neutral and non-polar, at codon 2078 of the ATM protein (p.Ser2078Phe).

NM_000051.4(ATM):c.6233C>T (p.Ser2078Phe)

Genes: ATM (ATM serine/threonine kinase; plus strand), C11orf65 (chromosome 11 open reading frame 65; minus strand). Cytogenetic location: 11q22.3.
Variant type: single nucleotide variant.
Coding change: c.6233C>T on transcript NM_000051.4 (MANE Select); coding-DNA position 6233, C replaced by T.
Protein change: p.Ser2078Phe; replaces serine 2078 with phenylalanine.
Molecular consequence: missense variant. On other transcripts: intron variant (2).
Genome position (GRCh38, 1-based): chr11:108,317,407, C>T. VCF-style: chr11-108317407-C-T. GRCh37 (hg19) VCF-style: chr11-108188134-C-T.
Other names: c.6233C>T, p.Ser2078Phe (NM_001351834.2); c.641-8336G>A (NM_001330368.2); c.*39-8336G>A (NM_001351110.2); short protein forms S2078F.
Identifiers: ClinVar variation 188246 (VCV000188246.12), dbSNP rs786204173, ClinGen allele CA334432.
Genomic context (GRCh38, chr11:108,317,407, plus strand): 5'-TTAAAAACAAAATAACTCCTGTTTAGGCCTTGCAGAATTTGGGACTCTGCCATATTCTTT[C>T]CGTCTATTTAAAAGGATTGGATTATGAAAATAAAGACTGGTGTCCTGAACTAGAAGAACT-3'
Protein context (NP_000042.3, residues 2068-2088): LQNLGLCHIL[Ser2078Phe]VYLKGLDYEN